The following is an entry in ClinVar:

ClinVar aggregate classification (germline): Pathogenic. Review status: criteria provided, multiple submitters, no conflicts (2 of 4 stars). 3 submissions from 3 submitters: Pathogenic (2). 1 of the submissions does not count toward it. Last evaluated 2022-05-04.

Conditions:
Infantile cortical hyperostosis. Also called: Hyperostosis, Cortical, Congenital; Caffey Disease; P1PK BLOOD GROUP SYSTEM, P(2) PHENOTYPE. Identifiers: Orphanet 1310, MedGen C0020497, MONDO:0007244, OMIM 114000.
Osteogenesis imperfecta type I (OI1). Also called: OI, TYPE I; OSTEOGENESIS IMPERFECTA TARDA; OSTEOGENESIS IMPERFECTA WITH BLUE SCLERAE; Lobstein disease; Osteogenesis imperfecta type 1; Lobstein's Disease. Identifiers: Orphanet 216796, Orphanet 666, MedGen C0023931, MONDO:0008146, OMIM 166200. Disease mechanism: loss of function.

Allele frequency attached by ClinVar (database versions not stated): gnomAD exomes below 0.00001.
gnomAD v4.1: 1 of 1,614,194 alleles (0.000062%); highest among the groups gnomAD compares: Non-Finnish European, 0.000085%; no homozygotes.

Submissions (3):

Mendelics
Classification: Pathogenic for Infantile cortical hyperostosis. Last evaluated: 2022-05-04. Review status: criteria provided, single submitter. Criteria: Mendelics Assertion Criteria 2019. Collection method: clinical testing. Allele origin: germline.

Labcorp Genetics (formerly Invitae), Labcorp
Classification: Pathogenic for Osteogenesis imperfecta type I. Last evaluated: 2022-04-04. Review status: criteria provided, single submitter. Criteria: Invitae Variant Classification Sherloc (09022015). Collection method: clinical testing. Allele origin: germline.
Comment: This sequence change replaces glycine, which is neutral and non-polar, with cysteine, which is neutral and slightly polar, at codon 272 of the COL1A1 protein (p.Gly272Cys). This variant is not present in population databases (gnomAD no frequency). This missense change has been observed in individual(s) with osteogenesis imperfecta (PMID: 2794057, 30715774). This variant is also known as Gly94Cys. ClinVar contains an entry for this variant (Variation ID: 17285). Advanced modeling of protein sequence and biophysical properties (such as structural, functional, and spatial information, amino acid conservation, physicochemical variation, residue mobility, and thermodynamic stability) performed at Invitae indicates that this missense variant is expected to disrupt COL1A1 protein function. This variant disrupts the triple helix domain of COL1A1. Glycine residues within the Gly-Xaa-Yaa repeats of the triple helix domain are required for the structure and stability of fibrillar collagens (PMID: 7695699, 8218237, 19344236). In COL1A1, variants affecting these glycine residues are significantly enriched in individuals with disease (PMID: 9016532, 17078022) compared to the general population (ExAC). For these reasons, this variant has been classified as Pathogenic.

OMIM
Classification: Pathogenic for OSTEOGENESIS IMPERFECTA, TYPE I. Last evaluated: 1989-10-01. Review status: no assertion criteria provided. Collection method: literature only. Allele origin: germline. Not counted in ClinVar's aggregate classification.

Literature cited by the submitters: PubMed 2794057 (cited by Labcorp Genetics (formerly Invitae), Labcorp and OMIM); PubMed 30715774 (cited by Labcorp Genetics (formerly Invitae), Labcorp); PubMed 7695699 (cited by Labcorp Genetics (formerly Invitae), Labcorp); PubMed 8218237 (cited by Labcorp Genetics (formerly Invitae), Labcorp); PubMed 19344236 (cited by Labcorp Genetics (formerly Invitae), Labcorp); PubMed 9016532 (cited by Labcorp Genetics (formerly Invitae), Labcorp); PubMed 17078022 (cited by Labcorp Genetics (formerly Invitae), Labcorp).

NM_000088.4(COL1A1):c.814G>T (p.Gly272Cys)

Genes: COL1A1 (collagen type I alpha 1 chain; minus strand), LOC126862586 (CDK7 strongly-dependent group 2 enhancer GRCh37_chr17:48273702-48274901; plus strand). Cytogenetic location: 17q21.33.
Variant type: single nucleotide variant.
Coding change: c.814G>T on transcript NM_000088.4 (MANE Select); coding-DNA position 814, G replaced by T.
Protein change: p.Gly272Cys; replaces glycine 272 with cysteine.
Molecular consequence: missense variant.
Genome position (GRCh38, 1-based): chr17:50,196,661, C>A on the plus strand (G>T on the coding strand, the complement: COL1A1 is on the minus strand). VCF-style: chr17-50196661-C-A. GRCh37 (hg19) VCF-style: chr17-48274022-C-A.
Other names: G94C; short protein forms G272C.
Identifiers: ClinVar variation 17285 (VCV000017285.8), dbSNP rs72645331, ClinGen allele CA281082.